The following is an entry in ClinVar:

NM_001105206.3(LAMA4):c.1275G>T (p.Lys425Asn)

Gene: LAMA4 (laminin subunit alpha 4; minus strand). Cytogenetic location: 6q21.
Variant type: single nucleotide variant.
Coding change: c.1275G>T on transcript NM_001105206.3 (MANE Select); coding-DNA position 1275, G replaced by T.
Protein change: p.Lys425Asn; replaces lysine 425 with asparagine.
Molecular consequence: missense variant.
Genome position (GRCh38, 1-based): chr6:112,175,395, C>A on the plus strand (G>T on the coding strand, the complement: LAMA4 is on the minus strand). VCF-style: chr6-112175395-C-A. GRCh37 (hg19) VCF-style: chr6-112496597-C-A.
Other names: c.1254G>T, p.Lys418Asn (NM_001105207.3, NM_002290.5); short protein forms K418N, K425N.
Identifiers: ClinVar variation 541224 (VCV000541224.18), dbSNP rs782618132, ClinGen allele CA3965820.
Genomic context (GRCh38, chr6:112,175,395, plus strand): 5'-CTCATCCACGAGCTCCCGTTGGGTGAAAAATGGTTGACGGCTTCTAATCTCTTCAAGCAT[C>A]TTCTGGGCCAACACCAGCTTCTCAGAGATTTCCTTGGGGCTAAGTTCATGCTCTTCCCCA-3'
Protein context (NP_001098676.2, residues 415-435): EISEKLVLAQ[Lys425Asn]MLEEIRSRQP

ClinVar aggregate classification (germline): Conflicting classifications of pathogenicity. Review status: criteria provided, conflicting classifications (1 of 4 stars). 4 submissions from 4 submitters: Uncertain significance (3); Likely benign (1). Last evaluated 2026-03-13.

Conditions:
Dilated cardiomyopathy 1JJ (CMD1JJ). Identifiers: Orphanet 154, MedGen C3808935, MONDO:0014095, OMIM 615235.
Cardiovascular phenotype. Identifiers: MedGen CN230736.

Allele frequency attached by ClinVar (database versions not stated): ExAC 0.00003; gnomAD 0.00003; gnomAD exomes 0.00003 and 0.00006; TOPMed 0.00004.
gnomAD v4.1: 55 of 1,614,068 alleles (0.0034%); highest among the groups gnomAD compares: Non-Finnish European, 0.0042%; no homozygotes.

Submissions (4):

Women's Health and Genetics/Laboratory Corporation of America, LabCorp
Classification: Likely benign. Last evaluated: 2026-03-13. Review status: criteria provided, single submitter. Criteria: LabCorp Variant Classification Summary - May 2015. Collection method: clinical testing. Allele origin: germline.

Labcorp Genetics (formerly Invitae), Labcorp
Classification: Uncertain significance for Dilated cardiomyopathy 1JJ. Last evaluated: 2025-02-05. Review status: criteria provided, single submitter. Criteria: Invitae Variant Classification Sherloc (09022015). Collection method: clinical testing. Allele origin: germline.
Comment: This sequence change replaces lysine, which is basic and polar, with asparagine, which is neutral and polar, at codon 418 of the LAMA4 protein (p.Lys418Asn). This variant is present in population databases (rs782618132, gnomAD 0.009%). This variant has not been reported in the literature in individuals affected with LAMA4-related conditions. ClinVar contains an entry for this variant (Variation ID: 541224). Invitae Evidence Modeling of protein sequence and biophysical properties (such as structural, functional, and spatial information, amino acid conservation, physicochemical variation, residue mobility, and thermodynamic stability) indicates that this missense variant is not expected to disrupt LAMA4 protein function with a negative predictive value of 80%. In summary, the available evidence is currently insufficient to determine the role of this variant in disease. Therefore, it has been classified as a Variant of Uncertain Significance.

Ambry Genetics
Classification: Uncertain significance for Cardiovascular phenotype. Last evaluated: 2025-02-04. Review status: criteria provided, single submitter. Criteria: Ambry Variant Classification Scheme 2023. Collection method: clinical testing. Allele origin: germline.
Comment: The p.K418N variant (also known as c.1254G>T), located in coding exon 10 of the LAMA4 gene, results from a G to T substitution at nucleotide position 1254. The lysine at codon 418 is replaced by asparagine, an amino acid with similar properties. This amino acid position is not well conserved in available vertebrate species, and asparagine is the reference amino acid in other vertebrate species. In addition, this alteration is predicted to be tolerated by in silico analysis. Since supporting evidence is limited at this time, the clinical significance of this alteration remains unclear.

GeneDx
Classification: Uncertain significance. Last evaluated: 2023-06-12. Review status: criteria provided, single submitter. Criteria: GeneDx Variant Classification Process June 2021. Collection method: clinical testing. Allele origin: germline. Affected: yes.
Comment: Has not been previously published as pathogenic or benign to our knowledge; In silico analysis supports that this missense variant does not alter protein structure/function